The following is an entry in ClinVar:

NM_014845.6(FIG4):c.1658G>A (p.Arg553His)

Gene: FIG4 (FIG4 phosphoinositide 5-phosphatase; plus strand). Cytogenetic location: 6q21.
Variant type: single nucleotide variant.
Coding change: c.1658G>A on transcript NM_014845.6 (MANE Select); coding-DNA position 1658, G replaced by A.
Protein change: p.Arg553His; replaces arginine 553 with histidine.
Molecular consequence: missense variant.
Genome position (GRCh38, 1-based): chr6:109,766,803, G>A. VCF-style: chr6-109766803-G-A. GRCh37 (hg19) VCF-style: chr6-110088006-G-A.
Other names: short protein forms R553H.
Identifiers: ClinVar variation 5037162 (VCV005037162.1).

ClinVar aggregate classification (germline): Uncertain significance (1 of 4 stars; one submission).

gnomAD v4.1: 19 of 1,613,492 alleles (0.0012%); highest among the groups gnomAD compares: Admixed American, 0.005%; no homozygotes.

Submission:

GeneDx
Classification: Uncertain significance. Last evaluated: 2026-04-15. Review status: criteria provided, single submitter. Criteria: GeneDx Variant Classification Process June 2021. Collection method: clinical testing. Allele origin: germline.
Comment: Not observed at significant frequency in large population cohorts (gnomAD); In silico analysis supports that this missense variant has a deleterious effect on protein structure/function; Has not been previously published as pathogenic or benign to our knowledge; This variant is associated with the following publications: (PMID: 39133880)